The following is an entry in ClinVar:

NM_004817.4(TJP2):c.1817C>T (p.Ser606Leu)

Gene: TJP2 (tight junction protein 2; plus strand). Cytogenetic location: 9q21.11.
Variant type: single nucleotide variant.
Coding change: c.1817C>T on transcript NM_004817.4 (MANE Select); coding-DNA position 1817, C replaced by T.
Protein change: p.Ser606Leu; replaces serine 606 with leucine.
Molecular consequence: missense variant.
Genome position (GRCh38, 1-based): chr9:69,236,064, C>T. VCF-style: chr9-69236064-C-T. GRCh37 (hg19) VCF-style: chr9-71850980-C-T.
Other names: c.1748C>T, p.Ser583Leu (NM_001170414.2, NM_001369871.1); c.1829C>T, p.Ser610Leu (NM_001170415.1, NM_001369874.1, NM_001369875.1); c.1910C>T, p.Ser637Leu (NM_001170416.2); c.1742C>T, p.Ser581Leu (NM_001369870.1); c.1817C>T, p.Ser606Leu (NM_001369872.1, NM_001369873.1, NM_201629.3); short protein forms S581L, S583L, S606L, S610L, S637L.
Identifiers: ClinVar variation 1254760 (VCV001254760.4), dbSNP rs776993361, ClinGen allele CA5073492.
Genomic context (GRCh38, chr9:69,236,064, plus strand): 5'-ACAAACGATGCTTTTGTCTTTCAGTGTATAGAGACATCCTGGCTTGTGGCAGAGGGGATT[C>T]GTTTTTTATAAGAAGCCACTTTGAATGTGAGAAGGAAACTCCACAGAGCCTGGCCTTCAC-3'
Protein context (NP_004808.2, residues 596-616): RDILACGRGD[Ser606Leu]FFIRSHFECE

ClinVar aggregate classification (germline): Uncertain significance. Review status: criteria provided, multiple submitters, no conflicts (2 of 4 stars). 2 submissions from 2 submitters: Uncertain significance (2). Last evaluated 2025-12-30.

Allele frequency attached by ClinVar (database versions not stated): TOPMed 0.00001; ExAC 0.00002; gnomAD exomes 0.00002 and 0.00003; gnomAD 0.00003.
gnomAD v4.1: 38 of 1,613,962 alleles (0.0024%); highest among the groups gnomAD compares: South Asian, 0.0077%; no homozygotes.

Submissions (2):

GeneDx
Classification: Uncertain significance. Last evaluated: 2025-12-30. Review status: criteria provided, single submitter. Criteria: GeneDx Variant Classification Process June 2021. Collection method: clinical testing. Allele origin: germline. Affected: yes.
Comment: Identified in the heterozygous state in a patient with bilateral hearing loss in published literature (PMID: 34515852); In silico analysis supports that this missense variant has a deleterious effect on protein structure/function; This variant is associated with the following publications: (PMID: 34515852)

Blueprint Genetics
Classification: Uncertain significance. Last evaluated: 2023-10-12. Review status: criteria provided, single submitter. Criteria: ACMG Guidelines, 2015. Collection method: clinical testing. Allele origin: germline.